The following is an entry in ClinVar:

NM_001379500.1(COL18A1):c.1415A>G (p.Glu472Gly)

Gene: COL18A1 (collagen type XVIII alpha 1 chain; plus strand). Cytogenetic location: 21q22.3.
Variant type: single nucleotide variant.
Coding change: c.1415A>G on transcript NM_001379500.1 (MANE Select); coding-DNA position 1415, A replaced by G.
Protein change: p.Glu472Gly; replaces glutamic acid 472 with glycine.
Molecular consequence: missense variant.
Genome position (GRCh38, 1-based): chr21:45,480,483, A>G. VCF-style: chr21-45480483-A-G. GRCh37 (hg19) VCF-style: chr21-46900397-A-G.
Other names: c.1955A>G, p.Glu652Gly (NM_030582.4); c.2660A>G, p.Glu887Gly (NM_130444.3); short protein forms E652G, E887G, E472G.
Identifiers: ClinVar variation 1963098 (VCV001963098.5), dbSNP rs1193733468, ClinGen allele CA410517242.
Genomic context (GRCh38, chr21:45,480,483, plus strand): 5'-GGGCCGAGCTCAGGGCAACGTGTCTCTCCGGCTCTTTTCCTCAGACCTTCATTGACATGG[A>G]GGGATCTGGCTTCGGGGGCGATCTGGAGGCCCTGCGGGTGAGTGGCCCTTAAACTGCAGC-3'
Protein context (NP_001366429.1, residues 462-482): RHDKLTFIDM[Glu472Gly]GSGFGGDLEA

ClinVar aggregate classification (germline): Uncertain significance (1 of 4 stars; one submission).

Submission:

Labcorp Genetics (formerly Invitae), Labcorp
Classification: Uncertain significance. Last evaluated: 2023-08-04. Review status: criteria provided, single submitter. Criteria: Invitae Variant Classification Sherloc (09022015). Collection method: clinical testing. Allele origin: germline.
Comment: In summary, the available evidence is currently insufficient to determine the role of this variant in disease. Therefore, it has been classified as a Variant of Uncertain Significance. Experimental studies and prediction algorithms are not available or were not evaluated, and the functional significance of this variant is currently unknown. ClinVar contains an entry for this variant (Variation ID: 1963098). This variant has not been reported in the literature in individuals affected with COL18A1-related conditions. This variant is not present in population databases (gnomAD no frequency). This sequence change replaces glutamic acid, which is acidic and polar, with glycine, which is neutral and non-polar, at codon 472 of the COL18A1 protein (p.Glu472Gly).